The following is an entry in ClinVar:

NM_001348768.2(HECW2):c.216A>G (p.Gln72=)

Gene: HECW2 (HECT, C2 and WW domain containing E3 ubiquitin protein ligase 2; minus strand). Cytogenetic location: 2q32.3.
Variant type: single nucleotide variant.
Coding change: c.216A>G on transcript NM_001348768.2 (MANE Select); coding-DNA position 216, A replaced by G.
Protein change: p.Gln72=; no amino-acid change (glutamine 72 retained).
Molecular consequence: synonymous variant.
Genome position (GRCh38, 1-based): chr2:196,433,208, T>C on the plus strand (A>G on the coding strand, the complement: HECW2 is on the minus strand). VCF-style: chr2-196433208-T-C. GRCh37 (hg19) VCF-style: chr2-197297932-T-C.
Other names: c.216A>G, p.Gln72= (NM_020760.4).
Identifiers: ClinVar variation 744661 (VCV000744661.4), dbSNP rs554467306, ClinGen allele CA2038626.

ClinVar aggregate classification (germline): Benign/Likely benign. Review status: criteria provided, multiple submitters, no conflicts (2 of 4 stars). 2 submissions from 2 submitters: Benign (1); Likely benign (1). Last evaluated 2026-03-26.

Conditions:
HECW2-related disorder. Also called: HECW2-related condition.

Allele frequency attached by ClinVar (database versions not stated): gnomAD 0.00001; TOPMed 0.00001; gnomAD exomes 0.00014; 1000 Genomes Project 30x 0.00016; ExAC 0.00019; 1000 Genomes Project 0.00020.
gnomAD v4.1: 126 of 1,614,200 alleles (0.0078%); highest among the groups gnomAD compares: South Asian, 0.13%; 2 homozygotes.

Submissions (2):

PreventionGenetics, part of Exact Sciences
Classification: Likely benign for HECW2-related condition. Last evaluated: 2026-03-26. Review status: criteria provided, single submitter. Criteria: ACMG Guidelines, 2015. Collection method: clinical testing. Allele origin: germline.
Comment: This variant is classified as likely benign based on ACMG/AMP sequence variant interpretation guidelines (Richards et al. 2015 PMID: 25741868, with internal and published modifications).

Labcorp Genetics (formerly Invitae), Labcorp
Classification: Benign. Last evaluated: 2018-04-24. Review status: criteria provided, single submitter. Criteria: Invitae Variant Classification Sherloc (09022015). Collection method: clinical testing. Allele origin: germline.